The following is an entry in ClinVar:

NM_020207.7(ERCC6L2):c.2230G>A (p.Glu744Lys)

Gene: ERCC6L2 (ERCC excision repair 6 like 2; plus strand). Cytogenetic location: 9q22.32.
Variant type: single nucleotide variant.
Coding change: c.2230G>A on transcript NM_020207.7 (MANE Select); coding-DNA position 2230, G replaced by A.
Protein change: p.Glu744Lys; replaces glutamic acid 744 with lysine.
Molecular consequence: missense variant. On other transcripts: non-coding transcript variant (1).
Genome position (GRCh38, 1-based): chr9:95,971,981, G>A. VCF-style: chr9-95971981-G-A. GRCh37 (hg19) VCF-style: chr9-98734263-G-A.
Other names: c.2230G>A, p.Glu744Lys (NM_001375291.1, NM_001375292.1, NM_001375293.1 and 1 more transcripts); short protein forms E744K.
Identifiers: ClinVar variation 2089268 (VCV002089268.4), dbSNP rs1832433853, ClinGen allele CA1865839382.

ClinVar aggregate classification (germline): Uncertain significance (1 of 4 stars; one submission).

Allele frequency attached by ClinVar (database versions not stated): gnomAD exomes below 0.00001; TOPMed below 0.00001.
gnomAD v4.1: 1 of 1,304,086 alleles (0.000077%); highest among the groups gnomAD compares: Non-Finnish European, 0.0001%; no homozygotes.

Submission:

Labcorp Genetics (formerly Invitae), Labcorp
Classification: Uncertain significance. Last evaluated: 2022-06-15. Review status: criteria provided, single submitter. Criteria: Invitae Variant Classification Sherloc (09022015). Collection method: clinical testing. Allele origin: germline.
Comment: In summary, the available evidence is currently insufficient to determine the role of this variant in disease. Therefore, it has been classified as a Variant of Uncertain Significance. Algorithms developed to predict the effect of missense changes on protein structure and function are either unavailable or do not agree on the potential impact of this missense change (SIFT: "Tolerated"; PolyPhen-2: "Not Available"; Align-GVGD: "Class C0"). This variant has not been reported in the literature in individuals affected with ERCC6L2-related conditions. This variant is not present in population databases (gnomAD no frequency). This sequence change replaces glutamic acid, which is acidic and polar, with lysine, which is basic and polar, at codon 755 of the ERCC6L2 protein (p.Glu755Lys).